The following is an entry in ClinVar:

ClinVar aggregate classification (germline): Conflicting classifications of pathogenicity. Review status: criteria provided, conflicting classifications (1 of 4 stars). 5 submissions from 5 submitters: Uncertain significance (2); Likely benign (3). Last evaluated 2026-01-08.

Conditions:
RYR1-related disorder. Also called: RYR1-related disorders; RYR1-related condition. Identifiers: MedGen CN239331.
Malignant hyperthermia, susceptibility to, 1 (MHS1). Also called: RYR1-Related Malignant Hyperthermia Susceptibility; Anesthesia related hyperthermia; Malignant hyperpyrexia; Fulminating hyperpyrexia; Pharmacogenic myopathy; Malignant hyperthermia suceptibility 1. Identifiers: Orphanet 423, MedGen C2930980, MONDO:0007783, OMIM 145600.

Allele frequency attached by ClinVar (database versions not stated): ExAC below 0.00001; TOPMed 0.00001; gnomAD 0.00002; gnomAD exomes 0.00002 and 0.00003.
gnomAD v4.1: 47 of 1,560,384 alleles (0.003%); highest among the groups gnomAD compares: Middle Eastern, 0.033%; no homozygotes.

Submissions (5):

Labcorp Genetics (formerly Invitae), Labcorp
Classification: Likely benign for RYR1-related disorder. Last evaluated: 2026-01-08. Review status: criteria provided, single submitter. Criteria: Invitae Variant Classification Sherloc (09022015). Collection method: clinical testing. Allele origin: germline.

CeGaT Center for Human Genetics Tuebingen
Classification: Likely benign. Last evaluated: 2025-09-01. Review status: criteria provided, single submitter. Criteria: CeGaT Center For Human Genetics Tuebingen Variant Classification Criteria Version 2. Collection method: clinical testing. Allele origin: germline. Affected: yes. Observed: 7 variant alleles.
Comment: RYR1: BP4, BP7

Women's Health and Genetics/Laboratory Corporation of America, LabCorp
Classification: Uncertain significance. Last evaluated: 2023-10-13. Review status: criteria provided, single submitter. Criteria: LabCorp Variant Classification Summary - May 2015. Collection method: clinical testing. Allele origin: germline.
Comment: Variant summary: RYR1 c.4710C>T (p.Asn1570Asn) alters a non-conserved nucleotide located close to a canonical splice site and therefore could affect mRNA splicing, leading to a significantly altered protein sequence. Consensus agreement among computation tools predict no significant impact on normal splicing. However, these predictions have yet to be confirmed by functional studies. The variant allele was found at a frequency of 2.4e-05 in 167490 control chromosomes. The available data on variant occurrences in the general population are insufficient to allow any conclusion about variant significance. To our knowledge, no occurrence of c.4710C>T in individuals affected with Myopathy, RYR1-Associated and no experimental evidence demonstrating its impact on protein function have been reported. Three submitters have cited clinical-significance assessments for this variant to ClinVar after 2014 and classified as likely benign (n=2) and VUS (n=1). Based on the evidence outlined above, the variant was classified as uncertain significance.

Color Diagnostics, LLC DBA Color Health
Classification: Likely benign for Malignant hyperthermia, susceptibility to, 1. Last evaluated: 2022-11-06. Review status: criteria provided, single submitter. Criteria: ACMG Guidelines, 2015. Collection method: clinical testing. Allele origin: germline.

Revvity Omics, Revvity
Classification: Uncertain significance. Last evaluated: 2019-12-17. Review status: criteria provided, single submitter. Criteria: ACMG Guidelines, 2015. Collection method: clinical testing. Allele origin: germline.

NM_000540.3(RYR1):c.4710C>T (p.Asn1570=)

Gene: RYR1 (ryanodine receptor 1; plus strand). Cytogenetic location: 19q13.2.
Variant type: single nucleotide variant.
Coding change: c.4710C>T on transcript NM_000540.3 (MANE Select); coding-DNA position 4710, C replaced by T.
Protein change: p.Asn1570=; no amino-acid change (asparagine 1570 retained).
Molecular consequence: synonymous variant.
Genome position (GRCh38, 1-based): chr19:38,483,292, C>T. VCF-style: chr19-38483292-C-T. GRCh37 (hg19) VCF-style: chr19-38973932-C-T.
Other names: c.4710C>T, p.Asn1570= (NM_001042723.2).
Identifiers: ClinVar variation 544509 (VCV000544509.52), dbSNP rs763113534, ClinGen allele CA066394.